The following is an entry in ClinVar:

ClinVar aggregate classification (germline): Conflicting classifications of pathogenicity. Review status: criteria provided, conflicting classifications (1 of 4 stars). 5 submissions from 4 submitters: Uncertain significance (2); Likely benign (2). 1 of the submissions does not count toward it. Last evaluated 2025-03-31.

Conditions:
SCO1-related disorder. Also called: SCO1-related disorders; SCO1-related condition.
Leigh syndrome (NULS). Also called: Leigh Syndrome (mtDNA deletion); Leigh's syndrome; Leigh Disease; Subacute necrotizing encephalopathy; Necrotizing encephalopathy infantile subacute of Leigh; LEIGH SYNDROME, NUCLEAR. Identifiers: Orphanet 506, MedGen C2931891, MONDO:0009723, OMIM 256000.
Mitochondrial complex IV deficiency, nuclear type 1 (MC4DN1). Also called: COX DEFICIENCY; Mitochondrial complex IV deficiency; Complex 4 mitochondrial respiratory chain deficiency; Deficiency of mitochondrial respiratory chain complex4; Complex IV deficiency. Identifiers: MedGen C5435656, MONDO:0700250, OMIM 220110. Disease mechanism: loss of function.

Allele frequency attached by ClinVar (database versions not stated): gnomAD 0.00003 and 0.00004; TOPMed 0.00008; gnomAD exomes 0.00009; ExAC 0.00011.
gnomAD v4.1: 80 of 1,612,514 alleles (0.005%); highest among the groups gnomAD compares: East Asian, 0.053%; 4 homozygotes.

Submissions (6):

Labcorp Genetics (formerly Invitae), Labcorp
Classification: Likely benign. Last evaluated: 2025-03-31. Review status: criteria provided, single submitter. Criteria: Invitae Variant Classification Sherloc (09022015). Collection method: clinical testing. Allele origin: germline.

Blueprint Genetics
Classification: Likely benign. Last evaluated: 2024-11-25. Review status: criteria provided, single submitter. Criteria: ACMG Guidelines, 2015. Collection method: clinical testing. Allele origin: germline.

Illumina Laboratory Services, Illumina
Classification: Uncertain significance for Mitochondrial complex IV deficiency, nuclear type 1. Last evaluated: 2018-01-12. Review status: criteria provided, single submitter. Criteria: ICSL Variant Classification Criteria 13 December 2019. Collection method: clinical testing. Allele origin: germline.

Illumina Laboratory Services, Illumina
Classification: Uncertain significance for Leigh syndrome. Last evaluated: 2018-01-12. Review status: criteria provided, single submitter. Criteria: ICSL Variant Classification Criteria 13 December 2019. Collection method: clinical testing. Allele origin: germline.

PreventionGenetics, part of Exact Sciences
Classification: Likely benign for SCO1-related condition. Last evaluated: 2019-07-30. Review status: no assertion criteria provided. Collection method: clinical testing. Allele origin: germline. Not counted in ClinVar's aggregate classification.
Comment: This variant is classified as likely benign based on ACMG/AMP sequence variant interpretation guidelines (Richards et al. 2015 PMID: 25741868, with internal and published modifications).

Dr. Peter K. Rogan Lab, Western University
No classification provided (evidence only). Condition: Uterine corpus endometrial carcinoma. Review status: no classification provided. Collection method: in vitro. Allele origin: not applicable. Functional consequence: retained intron. Not counted in ClinVar's aggregate classification.

NM_004589.4(SCO1):c.579G>T (p.Leu193=)

Gene: SCO1 (synthesis of cytochrome C oxidase 1; minus strand). Cytogenetic location: 17p13.1.
Variant type: single nucleotide variant.
Coding change: c.579G>T on transcript NM_004589.4 (MANE Select); coding-DNA position 579, G replaced by T.
Protein change: p.Leu193=; no amino-acid change (leucine 193 retained).
Molecular consequence: synonymous variant.
Genome position (GRCh38, 1-based): chr17:10,691,948, C>A on the plus strand (G>T on the coding strand, the complement: SCO1 is on the minus strand). VCF-style: chr17-10691948-C-A. GRCh37 (hg19) VCF-style: chr17-10595265-C-A.
Identifiers: ClinVar variation 731415 (VCV000731415.15), dbSNP rs376145746, ClinGen allele CA8393553.
Genomic context (GRCh38, chr17:10,691,948, plus strand): 5'-GATGGCTTCTTTTGTGTCCCTCTCTGGGTCAATGCTGATGAAAAGTGGAGTTAGATCTGG[C>A]AGAGTTGTAATGCTATCTGAAAGAGAGTTCCAATTAGTCCGTATTCACACCCTAAGGGAA-3'
Protein context (NP_004580.1, residues 183-203): VVDEIDSITT[Leu193=]PDLTPLFISI